The following is an entry in ClinVar:

ClinVar aggregate classification (germline): Benign. Review status: criteria provided, multiple submitters, no conflicts (2 of 4 stars). 2 submissions from 2 submitters: Benign (2). Last evaluated 2018-01-13.

Conditions:
Acyl-CoA oxidase deficiency. Also called: STRAIGHT-CHAIN ACYL-CoA OXIDASE DEFICIENCY; Pseudoneonatal adrenoleukodystrophy; Peroxisomal acyl-CoA oxidase deficiency. Identifiers: Orphanet 2971, MedGen C1849678, MONDO:0009919, OMIM 264470. Disease mechanism: loss of function.

Allele frequency attached by ClinVar (database versions not stated): gnomAD exomes 0.31289; 1000 Genomes Project 0.46985; gnomAD 0.47074 and 0.48163; 1000 Genomes Project 30x 0.48048; TOPMed 0.49556.

Submissions (2):

Illumina Laboratory Services, Illumina
Classification: Benign for Acyl-CoA oxidase deficiency. Last evaluated: 2018-01-13. Review status: criteria provided, single submitter. Criteria: ICSL Variant Classification Criteria 13 December 2019. Collection method: clinical testing. Allele origin: germline.
Comment: This variant was observed in the ICSL laboratory as part of a predisposition screen in an ostensibly healthy population. It had not been previously curated by ICSL or reported in the Human Gene Mutation Database (HGMD: prior to June 1st, 2018), and was therefore a candidate for classification through an automated scoring system. Utilizing variant allele frequency, disease prevalence and penetrance estimates, and inheritance mode, an automated score was calculated to assess if this variant is too frequent to cause the disease. Based on the score and internal cut-off values, a variant classified as benign is not then subjected to further curation. The score for this variant resulted in a classification of benign for this disease.

Breakthrough Genomics
Classification: Benign. Review status: criteria provided, single submitter. Criteria: ACMG Guidelines, 2015. Collection method: not provided. Allele origin: germline. Inheritance: Autosomal recessive inheritance. Affected: yes.

NM_004035.7(ACOX1):c.*679T>C

Gene: ACOX1 (acyl-CoA oxidase 1; minus strand). Cytogenetic location: 17q25.1.
Variant type: single nucleotide variant.
Coding change: c.*679T>C on transcript NM_004035.7 (MANE Select); 679 bases downstream of the stop codon, T replaced by C.
Molecular consequence: 3 prime UTR variant.
Genome position (GRCh38, 1-based): chr17:75,946,069, A>G on the plus strand (T>C on the coding strand, the complement: ACOX1 is on the minus strand). VCF-style: chr17-75946069-A-G. GRCh37 (hg19) VCF-style: chr17-73942150-A-G.
Other names: c.*679T>C (NM_001185039.2, NM_007292.6).
Identifiers: ClinVar variation 325361 (VCV000325361.6), dbSNP rs3682, ClinGen allele CA10650225.